The following is an entry in ClinVar:

NM_016284.5(CNOT1):c.4434+1del

Gene: CNOT1 (CCR4-NOT transcription complex subunit 1; minus strand). Cytogenetic location: 16q21.
Variant type: Deletion.
Coding change: c.4434+1del on transcript NM_016284.5 (MANE Select); the canonical splice donor site of the intron after coding-DNA position 4434, one base deleted (G; older notation c.4434+1delG).
Molecular consequence: splice donor variant. On other transcripts: nonsense (1).
Genome position (GRCh38, 1-based): chr16:58,543,606, C deleted on the plus strand (G on the coding strand, the reverse complement: CNOT1 is on the minus strand). VCF-style (leftmost placement, unchanged base first): chr16-58543605-AC-A. GRCh37 (hg19) VCF-style: chr16-58577509-AC-A.
Other names: c.4435del, p.Arg1478_Val1479insTer (NM_206999.3); c.4419+1del (NM_001265612.2).
Identifiers: ClinVar variation 2672638 (VCV002672638.23), dbSNP rs2543899540, ClinGen allele CA645583873.

ClinVar aggregate classification (germline): Likely pathogenic (1 of 4 stars; one submission).

Submission:

CeGaT Center for Human Genetics Tuebingen
Classification: Likely pathogenic. Last evaluated: 2023-11-01. Review status: criteria provided, single submitter. Criteria: CeGaT Center For Human Genetics Tuebingen Variant Classification Criteria Version 2. Collection method: clinical testing. Allele origin: germline. Affected: yes. Observed: 1 variant allele.
Comment: CNOT1: PVS1:Strong, PM2